The following is an entry in ClinVar:

NM_006182.4(DDR2):c.1260C>G (p.Leu420=)

Gene: DDR2 (discoidin domain receptor tyrosine kinase 2; plus strand). Cytogenetic location: 1q23.3.
Variant type: single nucleotide variant.
Coding change: c.1260C>G on transcript NM_006182.4 (MANE Select); coding-DNA position 1260, C replaced by G.
Protein change: p.Leu420=; no amino-acid change (leucine 420 retained).
Molecular consequence: synonymous variant.
Genome position (GRCh38, 1-based): chr1:162,767,326, C>G. VCF-style: chr1-162767326-C-G. GRCh37 (hg19) VCF-style: chr1-162737116-C-G.
Other names: c.1260C>G, p.Leu420= (NM_001014796.3, NM_001354982.2, NM_001354983.2 and 1 more transcripts).
Identifiers: ClinVar variation 259929 (VCV000259929.18), dbSNP rs2298258, ClinGen allele CA1217466.

ClinVar aggregate classification (germline): Benign. Review status: criteria provided, multiple submitters, no conflicts (2 of 4 stars). 8 submissions from 7 submitters: Benign (7). 1 of the submissions does not count toward it. Last evaluated 2026-02-04.

Conditions:
Warburg-cinotti syndrome. Identifiers: MedGen C5193019, MONDO:0032579, OMIM 618175.
Spondyloepimetaphyseal dysplasia-short limb-abnormal calcification syndrome (SMED-SL). Also called: Spondylometaepiphyseal dysplasia, short limb-hand type; SMED, TYPE II; SMED-SL/AC; SMED short limb-hand type; SMED type 2; Spondylometaepiphyseal dysplasia short limb-abnormal calcification type. Identifiers: Orphanet 93358, MedGen C1849011, MONDO:0010077, OMIM 271665.
Squamous cell lung carcinoma. Also called: Squamous cell carcinoma of lung; Lung cancer, squamous cell, somatic. Identifiers: MedGen C0149782, MONDO:0005097, HP:0030359.

Allele frequency attached by ClinVar (database versions not stated): ESP Exome Variant Server 0.25727; 1000 Genomes Project 0.34844; 1000 Genomes Project 30x 0.34884; ExAC 0.22417; gnomAD 0.26084 and 0.26030; TOPMed 0.29074.
gnomAD v4.1: 298,958 of 1,613,736 alleles (19%); highest among the groups gnomAD compares: African/African-American, 48%; 35,769 homozygotes.

Submissions (8):

Labcorp Genetics (formerly Invitae), Labcorp
Classification: Benign. Last evaluated: 2026-02-04. Review status: criteria provided, single submitter. Criteria: Invitae Variant Classification Sherloc (09022015). Collection method: clinical testing. Allele origin: germline.

Genome-Nilou Lab
Classification: Benign for Spondyloepimetaphyseal dysplasia-short limb-abnormal calcification syndrome. Last evaluated: 2021-07-30. Review status: criteria provided, single submitter. Criteria: ACMG Guidelines, 2015. Collection method: clinical testing. Allele origin: germline. Affected: no.

Genome-Nilou Lab
Classification: Benign for Warburg-cinotti syndrome. Last evaluated: 2021-07-30. Review status: criteria provided, single submitter. Criteria: ACMG Guidelines, 2015. Collection method: clinical testing. Allele origin: germline. Affected: no.

GeneDx
Classification: Benign. Last evaluated: 2018-11-20. Review status: criteria provided, single submitter. Criteria: GeneDx Variant Classification Process June 2021. Collection method: clinical testing. Allele origin: germline. Affected: yes.

Illumina Laboratory Services, Illumina
Classification: Benign for Spondyloepimetaphyseal dysplasia-short limb-abnormal calcification syndrome. Last evaluated: 2018-01-13. Review status: criteria provided, single submitter. Criteria: ICSL Variant Classification Criteria 13 December 2019. Collection method: clinical testing. Allele origin: germline.
Comment: This variant was observed in the ICSL laboratory as part of a predisposition screen in an ostensibly healthy population. It had not been previously curated by ICSL or reported in the Human Gene Mutation Database (HGMD: prior to June 1st, 2018), and was therefore a candidate for classification through an automated scoring system. Utilizing variant allele frequency, disease prevalence and penetrance estimates, and inheritance mode, an automated score was calculated to assess if this variant is too frequent to cause the disease. Based on the score and internal cut-off values, a variant classified as benign is not then subjected to further curation. The score for this variant resulted in a classification of benign for this disease.

Breakthrough Genomics
Classification: Benign. Review status: criteria provided, single submitter. Criteria: ACMG Guidelines, 2015. Collection method: not provided. Allele origin: germline. Inheritance: Autosomal recessive inheritance. Affected: yes.

PreventionGenetics, part of Exact Sciences
Classification: Benign. Review status: criteria provided, single submitter. Criteria: ACMG Guidelines, 2015. Collection method: clinical testing. Allele origin: germline.

Faculté Pluridciplinaire Nador, Université Mohamed Premier
Classification: Likely benign for Squamous Cell Lung Carcinoma. Last evaluated: 2020-05-05. Review status: no assertion criteria provided. Collection method: clinical testing, in vivo. Allele origin: somatic. Affected: yes. Observed: 1 variant allele. Not counted in ClinVar's aggregate classification.

Literature cited by the submitters: DOI 10.3389/fonc.2020.01215 (cited by Faculté Pluridciplinaire Nador, Université Mohamed Premier).